The following is an entry in ClinVar:

ClinVar aggregate classification (germline): Uncertain significance. Review status: criteria provided, single submitter (1 of 4 stars). 2 submissions from 2 submitters: Uncertain significance (1). 1 of the submissions does not count toward it. Last evaluated 2020-01-09.

Conditions:
Long chain 3-hydroxyacyl-CoA dehydrogenase deficiency. Also called: Deficiency of long-chain 3-hydroxyacyl-coenzyme A dehydrogenase; LCHAD Deficiency. Identifiers: Orphanet 5, MedGen C3711645, MONDO:0012173, OMIM 609016.

Allele frequency attached by ClinVar (database versions not stated): gnomAD exomes below 0.00001 and 0.00001; ExAC 0.00001.
gnomAD v4.1: 5 of 1,613,936 alleles (0.00031%); highest among the groups gnomAD compares: Non-Finnish European, 0.00042%; no homozygotes.

Submissions (2):

GeneDx
Classification: Uncertain significance. Last evaluated: 2020-01-09. Review status: criteria provided, single submitter. Criteria: GeneDx Variant Classification Process June 2021. Collection method: clinical testing. Allele origin: germline. Affected: yes.
Comment: Not observed at a significant frequency in large population cohorts (Lek et al., 2016); In silico analysis, which includes protein predictors and evolutionary conservation, supports that this variant does not alter protein structure/function; Has not been previously published as pathogenic or benign to our knowledge

Natera, Inc.
Classification: Uncertain significance for Deficiency of long-chain 3-hydroxyacyl-coenzyme A dehydrogenase. Last evaluated: 2020-08-21. Review status: no assertion criteria provided. Collection method: clinical testing. Allele origin: germline. Not counted in ClinVar's aggregate classification.

NM_000182.5(HADHA):c.1184C>A (p.Thr395Asn)

Genes: GAREM2 (GRB2 associated regulator of MAPK1 subtype 2; plus strand), HADHA (hydroxyacyl-CoA dehydrogenase trifunctional multienzyme complex subunit alpha; minus strand). Cytogenetic location: 2p23.3.
Variant type: single nucleotide variant.
Coding change: c.1184C>A on transcript NM_000182.5 (MANE Select); coding-DNA position 1184, C replaced by A.
Protein change: p.Thr395Asn; replaces threonine 395 with asparagine.
Molecular consequence: missense variant.
Genome position (GRCh38, 1-based): chr2:26,204,098, G>T on the plus strand (C>A on the coding strand, the complement: HADHA is on the minus strand). VCF-style: chr2-26204098-G-T. GRCh37 (hg19) VCF-style: chr2-26426967-G-T.
Other names: short protein forms T395N.
Identifiers: ClinVar variation 1216147 (VCV001216147.4), dbSNP rs778263925, ClinGen allele CA1559649.